The following is an entry in ClinVar:

ClinVar aggregate classification (germline): Benign/Likely benign. Review status: criteria provided, multiple submitters, no conflicts (2 of 4 stars). 15 submissions from 10 submitters: Benign (13); Likely benign (1). 1 of the submissions does not count toward it. Last evaluated 2026-02-02.

Conditions:
TRPV4-related disorder. Also called: TRPV4-related disorders; TRPV4-related condition.
Connective tissue disorder. Also called: Connective tissue disease. Identifiers: MedGen C0009782, MONDO:0003900.
Charcot-Marie-Tooth disease. Also called: Charcot-Marie-Tooth Neuropathy; Charcot-Marie-Tooth Hereditary Neuropathy. Identifiers: Orphanet 166, MedGen C0007959, MONDO:0015626.
Scapuloperoneal spinal muscular atrophy (SPSMA). Also called: AMYOTROPHY, NEUROGENIC SCAPULOPERONEAL, NEW ENGLAND TYPE; Scapuloperoneal Form of Spinal Muscular Atrophy; Scapuloperoneal Spinal Muscular Atrophy, TRPV4-Related; Scapuloperoneal spinal muscular atrophy, autosomal dominant. Identifiers: Orphanet 431255, MedGen C0751335, MONDO:0008408, OMIM 181405.
Charcot-Marie-Tooth disease axonal type 2C (HMSN2C). Also called: Charcot-Marie-Tooth Disease Type 2, TRPV4-Related (CMT2C); CHARCOT-MARIE-TOOTH DISEASE, AXONAL, AUTOSOMAL DOMINANT, TYPE 2C; Charcot-Marie-Tooth Neuropathy Type 2C. Identifiers: Orphanet 99937, MedGen C1853710, MONDO:0011633, OMIM 606071.
Metatropic dysplasia (MTD). Also called: Metatropic Dysplasia, TRPV4-Related; METATROPIC DWARFISM; Metatropic dysplasia, nonlethal dominant. Identifiers: Orphanet 2635, MedGen C0265281, MONDO:0007986, OMIM 156530.
Brachyrachia (short spine dysplasia) (BCYM3). Also called: Brachyolmia, TRPV4-Related; BRACHYRACHIA; Brachyolmia Type 3; Autosomal dominant brachyolmia. Identifiers: Orphanet 93304, MedGen C0432227, MONDO:0007232, OMIM 113500.
Neuronopathy, distal hereditary motor, autosomal dominant 8. Also called: NEURONOPATHY, DISTAL HEREDITARY MOTOR, TYPE VIII; NEUROPATHY, DISTAL HEREDITARY MOTOR, TYPE VIII; SPINAL MUSCULAR ATROPHY, CONGENITAL BENIGN, WITH CONTRACTURES; Autosomal dominant congenital benign spinal muscular atrophy. Identifiers: Orphanet 1216, MedGen C1838492, MONDO:0010839, OMIM 600175.
Spondylometaphyseal dysplasia, Kozlowski type (SMDK). Also called: Dysmorphism arthrogryposis skeletal maturation advanced; Jequier-Kozlowski syndrome; Skeletal dysplasia Jequier-Kozlowski type; SMD Kozlowski type; Spondylometaphyseal Dysplasia, TRPV4-Related (Kozlowski Type). Identifiers: Orphanet 93314, MedGen C0265280, MONDO:0008477, OMIM 184252.

Allele frequency attached by ClinVar (database versions not stated): ESP Exome Variant Server 0.00023; gnomAD 0.00191; TOPMed 0.01036; 1000 Genomes Project 0.01418; 1000 Genomes Project 30x 0.01593.
gnomAD v4.1: 4,677 of 1,614,044 alleles (0.29%); highest among the groups gnomAD compares: Admixed American, 7.3%; 204 homozygotes.

Submissions (15):

Labcorp Genetics (formerly Invitae), Labcorp
Classification: Benign for Charcot-Marie-Tooth disease axonal type 2C. Last evaluated: 2026-02-02. Review status: criteria provided, single submitter. Criteria: Invitae Variant Classification Sherloc (09022015). Collection method: clinical testing. Allele origin: germline.

ARUP Laboratories, Molecular Genetics and Genomics, ARUP Laboratories
Classification: Benign. Last evaluated: 2025-05-08. Review status: criteria provided, single submitter. Criteria: ARUP Molecular Germline Variant Investigation Process 2024. Collection method: clinical testing. Allele origin: germline.

Athena Diagnostics
Classification: Benign. Last evaluated: 2024-05-21. Review status: criteria provided, single submitter. Criteria: Athena Diagnostics Criteria. Collection method: clinical testing. Allele origin: unknown.

Genome Diagnostics Laboratory, The Hospital for Sick Children
Classification: Benign for Connective tissue disorder. Last evaluated: 2021-07-28. Review status: criteria provided, single submitter. Criteria: ACMG Guidelines, 2015. Collection method: clinical testing. Allele origin: germline.

Illumina Laboratory Services, Illumina
Classification: Benign for Charcot-Marie-Tooth disease axonal type 2C. Last evaluated: 2018-01-12. Review status: criteria provided, single submitter. Criteria: ICSL Variant Classification Criteria 13 December 2019. Collection method: clinical testing. Allele origin: germline.
Comment: This variant was observed in the ICSL laboratory as part of a predisposition screen in an ostensibly healthy population. It had not been previously curated by ICSL or reported in the Human Gene Mutation Database (HGMD: prior to June 1st, 2018), and was therefore a candidate for classification through an automated scoring system. Utilizing variant allele frequency, disease prevalence and penetrance estimates, and inheritance mode, an automated score was calculated to assess if this variant is too frequent to cause the disease. Based on the score and internal cut-off values, a variant classified as benign is not then subjected to further curation. The score for this variant resulted in a classification of benign for this disease.

Illumina Laboratory Services, Illumina
Classification: Benign for Neuronopathy, distal hereditary motor, autosomal dominant 8. Last evaluated: 2018-01-12. Review status: criteria provided, single submitter. Criteria: ICSL Variant Classification Criteria 13 December 2019. Collection method: clinical testing. Allele origin: germline.
Comment: the same text as in the submission from Illumina Laboratory Services, Illumina above.

Illumina Laboratory Services, Illumina
Classification: Benign for Spondylometaphyseal dysplasia, Kozlowski type. Last evaluated: 2018-01-12. Review status: criteria provided, single submitter. Criteria: ICSL Variant Classification Criteria 13 December 2019. Collection method: clinical testing. Allele origin: germline.
Comment: the same text as in the submission from Illumina Laboratory Services, Illumina above.

Illumina Laboratory Services, Illumina
Classification: Benign for Scapuloperoneal spinal muscular atrophy. Last evaluated: 2018-01-12. Review status: criteria provided, single submitter. Criteria: ICSL Variant Classification Criteria 13 December 2019. Collection method: clinical testing. Allele origin: germline.
Comment: the same text as in the submission from Illumina Laboratory Services, Illumina above.

Illumina Laboratory Services, Illumina
Classification: Benign for Brachyrachia (short spine dysplasia). Last evaluated: 2018-01-12. Review status: criteria provided, single submitter. Criteria: ICSL Variant Classification Criteria 13 December 2019. Collection method: clinical testing. Allele origin: germline.
Comment: the same text as in the submission from Illumina Laboratory Services, Illumina above.

Illumina Laboratory Services, Illumina
Classification: Benign for Metatropic dysplasia. Last evaluated: 2018-01-12. Review status: criteria provided, single submitter. Criteria: ICSL Variant Classification Criteria 13 December 2019. Collection method: clinical testing. Allele origin: germline.
Comment: the same text as in the submission from Illumina Laboratory Services, Illumina above.

Mayo Clinic Laboratories, Mayo Clinic
Classification: Benign. Last evaluated: 2016-07-28. Review status: criteria provided, single submitter. Criteria: ACMG Guidelines, 2015. Collection method: clinical testing. Allele origin: germline. Observed: 11 variant alleles.

GeneDx
Classification: Benign. Last evaluated: 2015-03-03. Review status: criteria provided, single submitter. Criteria: GeneDx Variant Classification Process June 2021. Collection method: clinical testing. Allele origin: germline. Affected: yes.
Comment: This variant is associated with the following publications: (PMID: 31468327)

Breakthrough Genomics
Classification: Likely benign. Review status: criteria provided, single submitter. Criteria: ACMG Guidelines, 2015. Collection method: not provided. Allele origin: germline. Inheritance: Autosomal dominant inheritance. Affected: yes.

Molecular Genetics Laboratory, London Health Sciences Centre
Classification: Benign for Charcot-Marie-Tooth disease. Review status: criteria provided, single submitter. Criteria: ACMG Guidelines, 2015. Collection method: clinical testing. Allele origin: germline. Affected: yes.

PreventionGenetics, part of Exact Sciences
Classification: Benign for TRPV4-related condition. Last evaluated: 2019-04-16. Review status: no assertion criteria provided. Collection method: clinical testing. Allele origin: germline. Not counted in ClinVar's aggregate classification.
Comment: This variant is classified as benign based on ACMG/AMP sequence variant interpretation guidelines (Richards et al. 2015 PMID: 25741868, with internal and published modifications).

NM_021625.5(TRPV4):c.1713C>G (p.Ile571Met)

Gene: TRPV4 (transient receptor potential cation channel subfamily V member 4; minus strand). Cytogenetic location: 12q24.11.
Variant type: single nucleotide variant.
Coding change: c.1713C>G on transcript NM_021625.5 (MANE Select); coding-DNA position 1713, C replaced by G.
Protein change: p.Ile571Met; replaces isoleucine 571 with methionine.
Molecular consequence: missense variant.
Genome position (GRCh38, 1-based): chr12:109,792,763, G>C on the plus strand (C>G on the coding strand, the complement: TRPV4 is on the minus strand). VCF-style: chr12-109792763-G-C. GRCh37 (hg19) VCF-style: chr12-110230568-G-C.
Other names: p.Ile571Met; c.1572C>G, p.Ile524Met (NM_001177428.2); c.1611C>G, p.Ile537Met (NM_001177431.2); c.1392C>G, p.Ile464Met (NM_001177433.2); c.1533C>G, p.Ile511Met (NM_147204.3); short protein forms I571M, I464M, I524M, I511M, I537M.
Identifiers: ClinVar variation 241386 (VCV000241386.39), dbSNP rs185933892, ClinGen allele CA6780110.